The following is an entry in ClinVar:

NM_001112732.3(MCF2L):c.3306G>A (p.Gly1102=)

Gene: MCF2L (MCF.2 cell line derived transforming sequence like; plus strand). Cytogenetic location: 13q34.
Variant type: single nucleotide variant.
Coding change: c.3306G>A on transcript NM_001112732.3 (MANE Select); coding-DNA position 3306, G replaced by A.
Protein change: p.Gly1102=; no amino-acid change (glycine 1102 retained).
Molecular consequence: synonymous variant.
Genome position (GRCh38, 1-based): chr13:113,096,787, G>A. VCF-style: chr13-113096787-G-A. GRCh37 (hg19) VCF-style: chr13-113751101-G-A.
Other names: c.3375G>A, p.Gly1125= (NM_001320815.2); c.3318G>A, p.Gly1106= (NM_001320816.2); c.3219G>A, p.Gly1073= (NM_001366644.2); c.3267G>A, p.Gly1089= (NM_001366645.2); c.3192G>A, p.Gly1064= (NM_001366646.2); c.3300G>A, p.Gly1100= (NM_024979.5).
Identifiers: ClinVar variation 2643980 (VCV002643980.24), dbSNP rs144616060, ClinGen allele CA7059748.

ClinVar aggregate classification (germline): Likely benign (1 of 4 stars; one submission).

Allele frequency attached by ClinVar (database versions not stated): gnomAD 0.00033; ExAC 0.00051; gnomAD exomes 0.00057; 1000 Genomes Project 30x 0.00078; 1000 Genomes Project 0.00080; ESP Exome Variant Server 0.00021; TOPMed 0.00031.
gnomAD v4.1: 840 of 1,568,508 alleles (0.054%); highest among the groups gnomAD compares: Non-Finnish European, 0.069%; no homozygotes.

Submission:

CeGaT Center for Human Genetics Tuebingen
Classification: Likely benign. Last evaluated: 2022-05-01. Review status: criteria provided, single submitter. Criteria: CeGaT Center For Human Genetics Tuebingen Variant Classification Criteria Version 2. Collection method: clinical testing. Allele origin: germline. Affected: yes. Observed: 1 variant allele.
Comment: MCF2L: BP4, BP7